The following is an entry in ClinVar:

NM_000292.3(PHKA2):c.537+2T>C

Gene: PHKA2 (phosphorylase kinase regulatory subunit alpha 2; minus strand). Cytogenetic location: Xp22.13.
Variant type: single nucleotide variant.
Coding change: c.537+2T>C on transcript NM_000292.3 (MANE Select); the canonical splice donor site of the intron after coding-DNA position 537, T replaced by C.
Molecular consequence: splice donor variant.
Genome position (GRCh38, 1-based): chrX:18,948,742, A>G on the plus strand (T>C on the coding strand, the complement: PHKA2 is on the minus strand). VCF-style: chrX-18948742-A-G. GRCh37 (hg19) VCF-style: chrX-18966860-A-G.
Other names: NC_000023.10:g.18966860A>G; c.537+2T>C (NM_001440804.1, NM_001440803.1, NM_001440802.1 and 3 more transcripts).
Identifiers: ClinVar variation 4483170 (VCV004483170.3).

ClinVar aggregate classification (germline): Pathogenic/Likely pathogenic. Review status: criteria provided, multiple submitters, no conflicts (2 of 4 stars). 2 submissions from 2 submitters: Pathogenic (1); Likely pathogenic (1). Last evaluated 2026-03-08.

Conditions:
Glycogen storage disease IXa1. Also called: LIVER GLYCOGENOSIS, X-LINKED, TYPE I; GLYCOGEN STORAGE DISEASE VIII; GSD VIII; Glycogen storage disease 8. Identifiers: Orphanet 264580, MedGen C3694531, MONDO:0010598, OMIM 306000.

Submissions (3):

GeneDx
Classification: Pathogenic. Last evaluated: 2026-03-08. Review status: criteria provided, single submitter. Criteria: GeneDx Variant Classification Process June 2021. Collection method: clinical testing. Allele origin: germline.
Comment: Canonical splice site variant predicted to result in a null allele in a gene for which loss of function is a known mechanism of disease; Not observed at significant frequency in large population cohorts (gnomAD); This variant is associated with the following publications: (PMID: 28283841)

Women's Health and Genetics/Laboratory Corporation of America, LabCorp
Classification: Likely pathogenic for Glycogen storage disease IXa1. Last evaluated: 2025-12-18. Review status: criteria provided, single submitter. Criteria: LabCorp Variant Classification Summary - May 2015. Collection method: clinical testing. Allele origin: germline.
Comment: Variant summary: PHKA2 c.537+2T>C is located in a canonical splice-site and is predicted to affect mRNA splicing resulting in a significantly altered protein due to either exon skipping, shortening, or inclusion of intronic material. Variants that disrupt the consensus splice site are a relatively common cause of aberrant splicing and loss of PHKA2 function. Several computational tools predict a significant impact on normal splicing: Three predict the variant abolishes a canonical 5' splicing donor site. However, these predictions have yet to be confirmed by functional studies. The variant was absent in 183455 control chromosomes. c.537+2T>C has been observed in individual(s) affected with Glycogen Storage Disease, Type IXa (example: Bali_2017). The following publication has been ascertained in the context of this evaluation (PMID: 32387637). No submitters have cited clinical-significance assessments for this variant to ClinVar. Based on the evidence outlined above, the variant was classified as likely pathogenic.

Dr. Peter K. Rogan Lab, Western University
No classification provided (evidence only). Condition: Nonpapillary renal cell carcinoma. Review status: no classification provided. Collection method: in vitro. Allele origin: not applicable. Functional consequence: retained intron. Not counted in ClinVar's aggregate classification.

Literature cited by the submitters: PubMed 32387637 (cited by Women's Health and Genetics/Laboratory Corporation of America, LabCorp).